The following is an entry in ClinVar:

ClinVar aggregate classification (germline): Conflicting classifications of pathogenicity. Review status: criteria provided, conflicting classifications (1 of 4 stars). 4 submissions from 4 submitters: Uncertain significance (1); Likely benign (2). 1 of the submissions does not count toward it. Last evaluated 2026-04-14.

Conditions:
ABCB11-related disorder. Also called: ABCB11-related condition.
Familial intrahepatic cholestasis. Identifiers: Orphanet 284385, MedGen CN296401, MONDO:0017290.

Allele frequency attached by ClinVar (database versions not stated): ESP Exome Variant Server 0.00008; ExAC 0.00017; TOPMed 0.00023; gnomAD 0.00024 and 0.00026; 1000 Genomes Project 30x 0.00062; 1000 Genomes Project 0.00080; gnomAD exomes 0.00002 and 0.00006.
gnomAD v4.1: 73 of 1,505,872 alleles (0.0048%); highest among the groups gnomAD compares: African/African-American, 0.071%; no homozygotes.

Submissions (4):

Genomenon, Inc
Classification: Likely benign for Familial intrahepatic cholestasis. Last evaluated: 2026-04-14. Review status: criteria provided, single submitter. Criteria: Genomenon Sequence Variant Interpretation Standards - Updated. Collection method: curation. Allele origin: germline. Affected: no.
Comment: ABCB11 c.477A>G is a synonymous variant that retains Glutamine at residue 159. This variant has been reported in the published literature (PMID:28733223;22795478). This synonymous variant is not predicted to impact splicing. In conclusion, we classify ABCB11 p.Gln159= (c.477A>G) as a likely benign variant.

Eurofins Ntd Llc (ga)
Classification: Uncertain significance. Last evaluated: 2018-05-31. Review status: criteria provided, single submitter. Criteria: EGL ClinVar v180209 classification definitions. Collection method: clinical testing. Allele origin: germline. Observed: 3 variant alleles, 3 heterozygotes.

GeneDx
Classification: Likely benign. Last evaluated: 2017-12-26. Review status: criteria provided, single submitter. Criteria: GeneDx Variant Classification (06012015). Collection method: clinical testing. Allele origin: germline. Affected: yes.
Comment: This variant is considered likely benign or benign based on one or more of the following criteria: it is a conservative change, it occurs at a poorly conserved position in the protein, it is predicted to be benign by multiple in silico algorithms, and/or has population frequency not consistent with disease.

PreventionGenetics, part of Exact Sciences
Classification: Likely benign for ABCB11-related condition. Last evaluated: 2019-03-06. Review status: no assertion criteria provided. Collection method: clinical testing. Allele origin: germline. Not counted in ClinVar's aggregate classification.
Comment: This variant is classified as likely benign based on ACMG/AMP sequence variant interpretation guidelines (Richards et al. 2015 PMID: 25741868, with internal and published modifications).

Literature cited by the submitters: PubMed 28733223 (cited by Genomenon, Inc); PubMed 22795478 (cited by Genomenon, Inc).

NM_003742.4(ABCB11):c.477A>G (p.Gln159=)

Gene: ABCB11 (ATP binding cassette subfamily B member 11; minus strand). Cytogenetic location: 2q31.1.
Variant type: single nucleotide variant.
Coding change: c.477A>G on transcript NM_003742.4 (MANE Select); coding-DNA position 477, A replaced by G.
Protein change: p.Gln159=; no amino-acid change (glutamine 159 retained).
Molecular consequence: synonymous variant.
Genome position (GRCh38, 1-based): chr2:168,996,635, T>C on the plus strand (A>G on the coding strand, the complement: ABCB11 is on the minus strand). VCF-style: chr2-168996635-T-C. GRCh37 (hg19) VCF-style: chr2-169853145-T-C.
Other names: c.477A>G, p.Gln159= (LRG_1199t1).
Identifiers: ClinVar variation 501424 (VCV000501424.8), dbSNP rs191042013, ClinGen allele CA1951884.